The following is an entry in ClinVar:

NM_004260.4(RECQL4):c.371G>A (p.Gly124Asp)

Gene: RECQL4 (RecQ like helicase 4; minus strand). Cytogenetic location: 8q24.3.
Variant type: single nucleotide variant.
Coding change: c.371G>A on transcript NM_004260.4 (MANE Select); coding-DNA position 371, G replaced by A.
Protein change: p.Gly124Asp; replaces glycine 124 with aspartic acid.
Molecular consequence: missense variant.
Genome position (GRCh38, 1-based): chr8:144,516,748, C>T on the plus strand (G>A on the coding strand, the complement: RECQL4 is on the minus strand). VCF-style: chr8-144516748-C-T. GRCh37 (hg19) VCF-style: chr8-145742132-C-T.
Other names: short protein forms G124D.
Identifiers: ClinVar variation 648307 (VCV000648307.8), dbSNP rs368160871, ClinGen allele CA4949314.

ClinVar aggregate classification (germline): Uncertain significance. Review status: criteria provided, multiple submitters, no conflicts (2 of 4 stars). 3 submissions from 3 submitters: Uncertain significance (3). Last evaluated 2024-10-04.

Conditions:
Baller-Gerold syndrome (BGS). Also called: CRANIOSYNOSTOSIS WITH RADIAL DEFECTS. Identifiers: Orphanet 1225, MedGen C0265308, MONDO:0009039, OMIM 218600.
Inborn genetic diseases. Identifiers: MedGen C0950123, MeSH D030342.
Rothmund-Thomson syndrome type 2 (RTS2). Identifiers: Orphanet 221016, MedGen C5203410, MONDO:0016369, OMIM 268400.

Allele frequency attached by ClinVar (database versions not stated): gnomAD 0.00001; gnomAD exomes 0.00001 and 0.00003; ExAC 0.00002; TOPMed 0.00002; ESP Exome Variant Server 0.00008.
gnomAD v4.1: 42 of 1,524,906 alleles (0.0028%); highest among the groups gnomAD compares: Non-Finnish European, 0.0036%; no homozygotes.

Submissions (3):

Ambry Genetics
Classification: Uncertain significance for Inborn genetic diseases. Last evaluated: 2024-10-04. Review status: criteria provided, single submitter. Criteria: Ambry Variant Classification Scheme 2023. Collection method: clinical testing. Allele origin: germline.
Comment: The p.G124D variant (also known as c.371G>A), located in coding exon 5 of the RECQL4 gene, results from a G to A substitution at nucleotide position 371. The glycine at codon 124 is replaced by aspartic acid, an amino acid with similar properties. This amino acid position is conserved. In addition, this alteration is predicted to be tolerated by in silico analysis. Based on the available evidence, the clinical significance of this variant remains unclear.

Labcorp Genetics (formerly Invitae), Labcorp
Classification: Uncertain significance for Baller-Gerold syndrome. Last evaluated: 2023-11-21. Review status: criteria provided, single submitter. Criteria: Invitae Variant Classification Sherloc (09022015). Collection method: clinical testing. Allele origin: germline.
Comment: This sequence change replaces glycine, which is neutral and non-polar, with aspartic acid, which is acidic and polar, at codon 124 of the RECQL4 protein (p.Gly124Asp). This variant is present in population databases (rs368160871, gnomAD 0.003%). This variant has not been reported in the literature in individuals affected with RECQL4-related conditions. ClinVar contains an entry for this variant (Variation ID: 648307). Advanced modeling of protein sequence and biophysical properties (such as structural, functional, and spatial information, amino acid conservation, physicochemical variation, residue mobility, and thermodynamic stability) performed at Invitae indicates that this missense variant is not expected to disrupt RECQL4 protein function with a negative predictive value of 80%. In summary, the available evidence is currently insufficient to determine the role of this variant in disease. Therefore, it has been classified as a Variant of Uncertain Significance.

St. Jude Molecular Pathology, St. Jude Children's Research Hospital
Classification: Uncertain significance for Rothmund-Thomson syndrome type 2. Last evaluated: 2023-03-08. Review status: criteria provided, single submitter. Criteria: St. Jude Assertion Criteria 2020. Collection method: clinical testing. Allele origin: germline.
Comment: The RECQL4 c.371G>A (p.Gly124Asp) missense change has a maximum subpopulation frequency of 0.0030% in gnomAD v2.1.1. In silico tools predict a benign effect of this variant on protein function, but to our knowledge functional studies have not been performed. To our knowledge, this variant has not been reported in individuals with RECQL4-associated conditions. In summary, the evidence currently available is insufficient to determine the clinical significance of this variant. It has therefore been classified as of uncertain significance.